The following is an entry in ClinVar:

ClinVar aggregate classification (germline): Uncertain significance. Review status: criteria provided, multiple submitters, no conflicts (2 of 4 stars). 2 submissions from 2 submitters: Uncertain significance (2). Last evaluated 2024-04-18.

Conditions:
RYR1-related disorder. Also called: RYR1-related condition; RYR1-related disorders. Identifiers: MedGen CN239331.
Inborn genetic diseases. Identifiers: MedGen C0950123, MeSH D030342.

Allele frequency attached by ClinVar (database versions not stated): gnomAD exomes below 0.00001; TOPMed below 0.00001.
gnomAD v4.1: 1 of 1,612,386 alleles (0.000062%); highest among the groups gnomAD compares: Non-Finnish European, 0.000085%; no homozygotes.

Submissions (2):

Ambry Genetics
Classification: Uncertain significance for Inborn genetic diseases. Last evaluated: 2024-04-18. Review status: criteria provided, single submitter. Criteria: Ambry Variant Classification Scheme 2023. Collection method: clinical testing. Allele origin: germline.

Labcorp Genetics (formerly Invitae), Labcorp
Classification: Uncertain significance for RYR1-related disorder. Last evaluated: 2022-03-08. Review status: criteria provided, single submitter. Criteria: Invitae Variant Classification Sherloc (09022015). Collection method: clinical testing. Allele origin: germline.
Comment: Algorithms developed to predict the effect of missense changes on protein structure and function are either unavailable or do not agree on the potential impact of this missense change (SIFT: "Deleterious"; PolyPhen-2: "Benign"; Align-GVGD: "Class C0"). In summary, the available evidence is currently insufficient to determine the role of this variant in disease. Therefore, it has been classified as a Variant of Uncertain Significance. This variant has not been reported in the literature in individuals affected with RYR1-related conditions. This variant is not present in population databases (gnomAD no frequency). This sequence change replaces glutamine, which is neutral and polar, with glutamic acid, which is acidic and polar, at codon 2847 of the RYR1 protein (p.Gln2847Glu).

NM_000540.3(RYR1):c.8539C>G (p.Gln2847Glu)

Genes: RYR1 (ryanodine receptor 1; plus strand), LOC126862902 (BRD4-independent group 4 enhancer GRCh37_chr19:38995830-38997029; plus strand). Cytogenetic location: 19q13.2.
Variant type: single nucleotide variant.
Coding change: c.8539C>G on transcript NM_000540.3 (MANE Select); coding-DNA position 8539, C replaced by G.
Protein change: p.Gln2847Glu; replaces glutamine 2847 with glutamic acid.
Molecular consequence: missense variant.
Genome position (GRCh38, 1-based): chr19:38,505,944, C>G. VCF-style: chr19-38505944-C-G. GRCh37 (hg19) VCF-style: chr19-38996584-C-G.
Other names: c.8539C>G, p.Gln2847Glu (NM_001042723.2); c.8539C>G (NM_000540.2); short protein forms Q2847E.
Identifiers: ClinVar variation 1432583 (VCV001432583.9), dbSNP rs1357730526, ClinGen allele CA405679100.